The following is an entry in ClinVar:

NM_000551.4(VHL):c.340+760_340+1014del

Genes: VHL (von Hippel-Lindau tumor suppressor; plus strand), LOC107303340 (3p25 von Hippel-Lindau tumor suppressor, E3 ubiquitin protein ligase Alu-mediated recombination region; plus strand). Cytogenetic location: 3p25.3.
Variant type: Deletion.
Coding change: c.340+760_340+1014del on transcript NM_000551.4 (MANE Select); bases 760 to 1014 of the intron after coding-DNA position 340, 255 bases deleted.
Molecular consequence: intron variant. On other transcripts: splice donor variant (1).
Genome position (GRCh38, 1-based): chr3:10,142,947-10,143,201, 255 bases deleted. GRCh37 (hg19): chr3:10,184,631-10,184,885.
Other names: c.525_*17+180del (NM_001354723.2); c.340+760_340+1014del (NM_198156.3).
Identifiers: ClinVar variation 4786447 (VCV004786447.1).

ClinVar aggregate classification (germline): Uncertain significance (1 of 4 stars; one submission).

Conditions:
Chuvash polycythemia. Also called: POLYCYTHEMIA, VHL-DEPENDENT. Identifiers: Orphanet 238557, MedGen C1837915, MONDO:0009892, OMIM 263400.
Von Hippel-Lindau syndrome (VHLS). Also called: von Hippel–Lindau syndrome; VHL syndrome; Von Hippel-Lindau. Identifiers: Orphanet 892, MedGen C0019562, MONDO:0008667, OMIM 193300. Disease mechanism: loss of function.

Submission:

Labcorp Genetics (formerly Invitae), Labcorp
Classification: Uncertain significance for Von Hippel-Lindau syndrome; Chuvash polycythemia. Last evaluated: 2025-10-16. Review status: criteria provided, single submitter. Criteria: Invitae Variant Classification Sherloc (09022015). Collection method: clinical testing. Allele origin: germline.
Comment: This sequence change falls in intron 1 of the VHL gene. It is not expected to change the encoded amino acid sequence of the VHL protein. However, this sequence change falls within a cryptic exon in the VHL gene, known as exon E1’, which is naturally expressed at low levels in several human tissues (PMID: 29891534). This variant is not present in population databases (gnomAD no frequency). This variant has not been reported in the literature in individuals affected with VHL-related conditions. Experimental studies and prediction algorithms are not available or were not evaluated, and the effect of this variant on mRNA splicing is currently unknown. In summary, the available evidence is currently insufficient to determine the role of this variant in disease. Therefore, it has been classified as a Variant of Uncertain Significance.

Literature cited by the submitters: PubMed 29891534.